The following is an entry in ClinVar:

ClinVar aggregate classification (germline): Uncertain significance. Review status: criteria provided, multiple submitters, no conflicts (2 of 4 stars). 3 submissions from 3 submitters: Uncertain significance (2). 1 of the submissions does not count toward it. Last evaluated 2026-05-11.

Conditions:
BBS2-related disorder. Also called: BBS2-related disorders; BBS2-related condition. Identifiers: MedGen CN239228.
Bardet-Biedl syndrome (BBS). Identifiers: Orphanet 110, MedGen C0752166, MONDO:0015229.
Bardet-Biedl syndrome 2 (BBS2). Identifiers: Orphanet 110, MedGen C2936863, MONDO:0014432, OMIM 615981.

Allele frequency attached by ClinVar (database versions not stated): gnomAD exomes 0.00001; ExAC 0.00002; TOPMed 0.00002; gnomAD 0.00003; ESP Exome Variant Server 0.00008.
gnomAD v4.1: 24 of 1,613,960 alleles (0.0015%); highest among the groups gnomAD compares: East Asian, 0.0022%; no homozygotes.

Submissions (3):

PreventionGenetics, part of Exact Sciences
Classification: Uncertain significance for BBS2-related condition. Last evaluated: 2026-05-11. Review status: criteria provided, single submitter. Criteria: ACMG Guidelines, 2015. Collection method: clinical testing. Allele origin: germline.
Comment: The BBS2 c.851A>G variant is predicted to result in the amino acid substitution p.Asn284Ser. To our knowledge, this variant has not been reported in the literature. This variant is reported in 0.0050% of alleles in individuals of East Asian descent in gnomAD. At this time, the clinical significance of this variant is uncertain due to the absence of conclusive functional and genetic evidence.

Labcorp Genetics (formerly Invitae), Labcorp
Classification: Uncertain significance for Bardet-Biedl syndrome. Last evaluated: 2022-07-26. Review status: criteria provided, single submitter. Criteria: Invitae Variant Classification Sherloc (09022015). Collection method: clinical testing. Allele origin: germline.
Comment: This sequence change replaces asparagine, which is neutral and polar, with serine, which is neutral and polar, at codon 284 of the BBS2 protein (p.Asn284Ser). This variant is present in population databases (rs377749641, gnomAD 0.006%). This variant has not been reported in the literature in individuals affected with BBS2-related conditions. ClinVar contains an entry for this variant (Variation ID: 1054407). Algorithms developed to predict the effect of missense changes on protein structure and function are either unavailable or do not agree on the potential impact of this missense change (SIFT: "Tolerated"; PolyPhen-2: "Possibly Damaging"; Align-GVGD: "Class C0"). In summary, the available evidence is currently insufficient to determine the role of this variant in disease. Therefore, it has been classified as a Variant of Uncertain Significance.

Natera, Inc.
Classification: Uncertain significance for Bardet-Biedl syndrome type 2. Last evaluated: 2020-01-24. Review status: no assertion criteria provided. Collection method: clinical testing. Allele origin: germline. Not counted in ClinVar's aggregate classification.

NM_031885.5(BBS2):c.851A>G (p.Asn284Ser)

Gene: BBS2 (Bardet-Biedl syndrome 2; minus strand). Cytogenetic location: 16q13.
Variant type: single nucleotide variant.
Coding change: c.851A>G on transcript NM_031885.5 (MANE Select); coding-DNA position 851, A replaced by G.
Protein change: p.Asn284Ser; replaces asparagine 284 with serine.
Molecular consequence: missense variant. On other transcripts: non-coding transcript variant (5).
Genome position (GRCh38, 1-based): chr16:56,502,762, T>C on the plus strand (A>G on the coding strand, the complement: BBS2 is on the minus strand). VCF-style: chr16-56502762-T-C. GRCh37 (hg19) VCF-style: chr16-56536674-T-C.
Other names: c.851A>G, p.Asn284Ser (NM_001377456.1); c.851A>G (NM_031885.3); short protein forms N284S.
Identifiers: ClinVar variation 1054407 (VCV001054407.4), dbSNP rs377749641, ClinGen allele CA8065902.